The following is an entry in ClinVar:

NM_203395.3(IYD):c.337A>G (p.Met113Val)

Gene: IYD (iodotyrosine deiodinase; plus strand). Cytogenetic location: 6q25.1.
Variant type: single nucleotide variant.
Coding change: c.337A>G on transcript NM_203395.3 (MANE Select); coding-DNA position 337, A replaced by G.
Protein change: p.Met113Val; replaces methionine 113 with valine.
Molecular consequence: missense variant. On other transcripts: non-coding transcript variant (1), intron variant (1).
Genome position (GRCh38, 1-based): chr6:150,389,510, A>G. VCF-style: chr6-150389510-A-G. GRCh37 (hg19) VCF-style: chr6-150710646-A-G.
Other names: c.337A>G (NM_203395.2); c.337A>G, p.Met113Val (NM_001164694.2, NM_001164695.2); c.124+35A>G (NM_001318495.2); short protein forms M113V.
Identifiers: ClinVar variation 1058226 (VCV001058226.11), dbSNP rs757325145, ClinGen allele CA4046980.

ClinVar aggregate classification (germline): Uncertain significance. Review status: criteria provided, multiple submitters, no conflicts (2 of 4 stars). 2 submissions from 2 submitters: Uncertain significance (2). Last evaluated 2025-06-09.

Allele frequency attached by ClinVar (database versions not stated): gnomAD 0.00004; gnomAD exomes 0.00004 and 0.00005; TOPMed 0.00004; ExAC 0.00005.

Submissions (2):

Ambry Genetics
Classification: Uncertain significance. Last evaluated: 2025-06-09. Review status: criteria provided, single submitter. Criteria: Ambry Variant Classification Scheme 2023. Collection method: clinical testing. Allele origin: germline.

Labcorp Genetics (formerly Invitae), Labcorp
Classification: Uncertain significance. Last evaluated: 2020-04-07. Review status: criteria provided, single submitter. Criteria: Invitae Variant Classification Sherloc (09022015). Collection method: clinical testing. Allele origin: germline.
Comment: This variant has not been reported in the literature in individuals with IYD-related disease. This variant is present in population databases (rs757325145, ExAC 0.02%). This sequence change replaces methionine with valine at codon 113 of the IYD protein (p.Met113Val). The methionine residue is moderately conserved and there is a small physicochemical difference between methionine and valine. Algorithms developed to predict the effect of missense changes on protein structure and function (SIFT, PolyPhen-2, Align-GVGD) all suggest that this variant is likely to be tolerated, but these predictions have not been confirmed by published functional studies and their clinical significance is uncertain. In summary, the available evidence is currently insufficient to determine the role of this variant in disease. Therefore, it has been classified as a Variant of Uncertain Significance.